The following is an entry in ClinVar:

NM_024411.5(PDYN):c.*743T>C

Genes: PDYN (prodynorphin; minus strand), PDYN-AS1 (PDYN antisense RNA 1; plus strand). Cytogenetic location: 20p13.
Variant type: single nucleotide variant.
Coding change: c.*743T>C on transcript NM_024411.5 (MANE Select); 743 bases downstream of the stop codon, T replaced by C.
Molecular consequence: 3 prime UTR variant.
Genome position (GRCh38, 1-based): chr20:1,979,580, A>G on the plus strand (T>C on the coding strand, the complement: PDYN is on the minus strand). VCF-style: chr20-1979580-A-G. GRCh37 (hg19) VCF-style: chr20-1960226-A-G.
Other names: c.*743T>C (NM_001190892.1, NM_001190898.3, NM_001190899.2 and 1 more transcripts).
Identifiers: ClinVar variation 337820 (VCV000337820.6), dbSNP rs910080, ClinGen allele CA10643527.
Genomic context (GRCh38, chr20:1,979,580, plus strand): 5'-TTCAAGAGGCTGCTCTCAATCATTTCCGAAAGAGGTTTTCACTCCCTTCTGTAAGGAGTT[A>G]GGCACTGTCCAGGGTACCAACATGACTGGGAGTTCAGGAAGTCAGTTCTTCAAGAGGTGC-3'

ClinVar aggregate classification (germline): Benign. Review status: criteria provided, multiple submitters, no conflicts (2 of 4 stars). 2 submissions from 2 submitters: Benign (2). Last evaluated 2018-01-13.

Conditions:
Spinocerebellar ataxia type 23 (SCA23). Identifiers: Orphanet 101108, MedGen C1853250, MONDO:0012449, OMIM 610245.

Allele frequency attached by ClinVar (database versions not stated): gnomAD exomes 0.18407; gnomAD 0.35005 and 0.36027; TOPMed 0.36856; 1000 Genomes Project 30x 0.49735; 1000 Genomes Project 0.50399.

Submissions (2):

Illumina Laboratory Services, Illumina
Classification: Benign for Spinocerebellar ataxia type 23. Last evaluated: 2018-01-13. Review status: criteria provided, single submitter. Criteria: ICSL Variant Classification Criteria 13 December 2019. Collection method: clinical testing. Allele origin: germline.
Comment: This variant was observed in the ICSL laboratory as part of a predisposition screen in an ostensibly healthy population. It had not been previously curated by ICSL or reported in the Human Gene Mutation Database (HGMD: prior to June 1st, 2018), and was therefore a candidate for classification through an automated scoring system. Utilizing variant allele frequency, disease prevalence and penetrance estimates, and inheritance mode, an automated score was calculated to assess if this variant is too frequent to cause the disease. Based on the score and internal cut-off values, a variant classified as benign is not then subjected to further curation. The score for this variant resulted in a classification of benign for this disease.

Breakthrough Genomics
Classification: Benign. Review status: criteria provided, single submitter. Criteria: ACMG Guidelines, 2015. Collection method: not provided. Allele origin: germline. Inheritance: Autosomal dominant inheritance. Affected: yes.